The following is an entry in ClinVar:

ClinVar aggregate classification (germline): Uncertain significance (1 of 4 stars; one submission).

Conditions:
PLEKHG5-related disorder. Also called: PLEKHG5-related condition.

gnomAD v4.1: 20 of 1,525,078 alleles (0.0013%); highest among the groups gnomAD compares: African/African-American, 0.022%; no homozygotes.

Submission:

PreventionGenetics, part of Exact Sciences
Classification: Uncertain significance for PLEKHG5-related condition. Last evaluated: 2025-09-05. Review status: criteria provided, single submitter. Criteria: ACMG Guidelines, 2015. Collection method: clinical testing. Allele origin: germline.
Comment: The PLEKHG5 c.16C>T variant is predicted to result in the amino acid substitution p.Arg6Trp. To our knowledge, this variant has not been reported in the literature. This variant is reported in 0.12% of alleles in individuals of Latino descent in gnomAD. At this time, the clinical significance of this variant is uncertain due to the absence of conclusive functional and genetic evidence.

NM_001265592.2(PLEKHG5):c.-111C>T

Gene: PLEKHG5 (pleckstrin homology and RhoGEF domain containing G5; minus strand). Cytogenetic location: 1p36.31.
Variant type: single nucleotide variant.
Coding change: c.-111C>T on transcript NM_001265592.2; 111 bases upstream of the start codon, C replaced by T.
Molecular consequence: 5 prime UTR variant. On other transcripts: intron variant (2).
Genome position (GRCh38, 1-based): chr1:6,497,016, G>A on the plus strand (C>T on the coding strand, the complement: PLEKHG5 is on the minus strand). VCF-style: chr1-6497016-G-A. GRCh37 (hg19) VCF-style: chr1-6557076-G-A.
Other names: c.-164-447C>T (NM_198681.4); c.-54+304C>T (NM_001042663.3).
Identifiers: ClinVar variation 4977428 (VCV004977428.1).